The following is an entry in ClinVar:

NM_001042492.3(NF1):c.4231C>G (p.Leu1411Val)

Gene: NF1 (neurofibromin 1; plus strand). Cytogenetic location: 17q11.2.
Variant type: single nucleotide variant.
Coding change: c.4231C>G on transcript NM_001042492.3 (MANE Select); coding-DNA position 4231, C replaced by G.
Protein change: p.Leu1411Val; replaces leucine 1411 with valine.
Molecular consequence: missense variant.
Genome position (GRCh38, 1-based): chr17:31,258,401, C>G. VCF-style: chr17-31258401-C-G. GRCh37 (hg19) VCF-style: chr17-29585419-C-G.
Other names: c.4168C>G, p.Leu1390Val (NM_000267.4); short protein forms L1390V, L1411V.
Identifiers: ClinVar variation 547642 (VCV000547642.11), dbSNP rs199474789, ClinGen allele CA398997826.

ClinVar aggregate classification (germline): Pathogenic/Likely pathogenic. Review status: criteria provided, multiple submitters, no conflicts (2 of 4 stars). 4 submissions from 4 submitters: Pathogenic (1); Likely pathogenic (3). Last evaluated 2025-11-12.

Conditions:
Hereditary cancer-predisposing syndrome. Also called: Neoplastic Syndromes, Hereditary; Hereditary neoplastic syndrome; Tumor predisposition; Hereditary Cancer Syndrome. Identifiers: Orphanet 140162, MedGen C0027672, MeSH D009386, MONDO:0015356.
Cardiovascular phenotype. Identifiers: MedGen CN230736.
Neurofibromatosis, type 1 (NF1). Also called: NEUROFIBROMATOSIS, TYPE I, SOMATIC; VON RECKLINGHAUSEN DISEASE; Peripheral type neurofibromatosis; Neurofibromatosis, type I. Identifiers: Orphanet 636, MedGen C0027831, MONDO:0018975, OMIM 162200. Disease mechanism: loss of function.

Submissions (4):

Labcorp Genetics (formerly Invitae), Labcorp
Classification: Pathogenic for Neurofibromatosis, type 1. Last evaluated: 2025-11-12. Review status: criteria provided, single submitter. Criteria: Invitae Variant Classification Sherloc (09022015). Collection method: clinical testing. Allele origin: germline.
Comment: This sequence change replaces leucine, which is neutral and non-polar, with valine, which is neutral and non-polar, at codon 1390 of the NF1 protein (p.Leu1390Val). This variant is not present in population databases (gnomAD no frequency). This missense change has been observed in individual(s) with clinical features consistent with NF1-Noonan syndrome (internal data). In at least one individual the variant was observed to be de novo. Invitae Evidence Modeling of clinical and family history, age, sex, and reported ancestry of multiple individuals with this NF1 variant has been performed. This variant is expected to be pathogenic with a positive predictive value of at least 99%. This is a validated machine learning model that incorporates the clinical features of 1,785,918 individuals referred to our laboratory for NF1 testing. ClinVar contains an entry for this variant (Variation ID: 547642). Invitae Evidence Modeling of protein sequence and biophysical properties (such as structural, functional, and spatial information, amino acid conservation, physicochemical variation, residue mobility, and thermodynamic stability) indicates that this missense variant is expected to disrupt NF1 protein function with a positive predictive value of 95%. This variant disrupts the p.Leu1390 amino acid residue in NF1. Other variant(s) that disrupt this residue have been determined to be pathogenic (PMID: 19845691). This suggests that this residue is clinically significant, and that variants that disrupt this residue are likely to be disease-causing. For these reasons, this variant has been classified as Pathogenic.

Genome-Nilou Lab
Classification: Likely pathogenic for Neurofibromatosis, type 1. Last evaluated: 2022-03-15. Review status: criteria provided, single submitter. Criteria: ACMG Guidelines, 2015. Collection method: clinical testing. Allele origin: germline. Affected: no.

Ambry Genetics
Classification: Likely pathogenic for Cardiovascular phenotype; Hereditary cancer-predisposing syndrome. Last evaluated: 2018-09-19. Review status: criteria provided, single submitter. Criteria: Ambry Variant Classification Scheme 2023. Collection method: clinical testing. Allele origin: germline.
Comment: The p.L1390V variant (also known as c.4168C>G), located in coding exon 31 of the NF1 gene, results from a C to G substitution at nucleotide position 4168. The leucine at codon 1390 is replaced by valine, an amino acid with highly similar properties. This amino acid position is highly conserved in available vertebrate species. A different variant at the same position, p.L1390F, has been reported in one family with Neurofibromatosis-Noonan syndrome (NFNS) and segregated with disease in seven affected family members (Nystr&ouml;m AM et al. Clin. Genet. 2009 Dec; 76(6):524-34). This alteration is located in the RasGAP domain and is anticipated to disrupt protein function (Ambry internal data; Brownbridge GG et al. J. Biol. Chem., 1993 May;268:10914-9; Abel AM et al. Mol. Immunol., 2015 Jun;65:336-49). In addition, this alteration is predicted to be deleterious by in silico analysis. Based on the majority of available evidence to date, this variant is likely to be pathogenic.

Center for Human Genetics, Inc
Classification: Likely pathogenic for Neurofibromatosis, type 1. Last evaluated: 2016-11-01. Review status: criteria provided, single submitter. Criteria: ACMG Guidelines, 2015. Collection method: clinical testing. Allele origin: germline. Affected: yes.

Literature cited by the submitters: PubMed 19845691 (cited by Labcorp Genetics (formerly Invitae), Labcorp).